The following is an entry in ClinVar:

NM_000540.3(RYR1):c.11213G>A (p.Gly3738Glu)

Gene: RYR1 (ryanodine receptor 1; plus strand). Cytogenetic location: 19q13.2.
Variant type: single nucleotide variant.
Coding change: c.11213G>A on transcript NM_000540.3 (MANE Select); coding-DNA position 11213, G replaced by A.
Protein change: p.Gly3738Glu; replaces glycine 3738 with glutamic acid.
Molecular consequence: missense variant.
Genome position (GRCh38, 1-based): chr19:38,532,690, G>A. VCF-style: chr19-38532690-G-A. GRCh37 (hg19) VCF-style: chr19-39023330-G-A.
Other names: c.11198G>A, p.Gly3733Glu (NM_001042723.2); short protein forms G3738E, G3733E.
Identifiers: ClinVar variation 590379 (VCV000590379.7), dbSNP rs1349985442, ClinGen allele CA405653022.

ClinVar aggregate classification (germline): Uncertain significance. Review status: criteria provided, multiple submitters, no conflicts (2 of 4 stars). 3 submissions from 3 submitters: Uncertain significance (3). Last evaluated 2024-04-03.

Conditions:
RYR1-related disorder. Also called: RYR1-related disorders; RYR1-related condition. Identifiers: MedGen CN239331.
Malignant hyperthermia, susceptibility to, 1 (MHS1). Also called: Anesthesia related hyperthermia; Malignant hyperpyrexia; Fulminating hyperpyrexia; Pharmacogenic myopathy; RYR1-Related Malignant Hyperthermia Susceptibility; Malignant hyperthermia suceptibility 1. Identifiers: Orphanet 423, MedGen C2930980, MONDO:0007783, OMIM 145600.

Allele frequency attached by ClinVar (database versions not stated): gnomAD exomes below 0.00001 and 0.00001; TOPMed below 0.00001; gnomAD 0.00001.
gnomAD v4.1: 9 of 1,614,064 alleles (0.00056%); highest among the groups gnomAD compares: Non-Finnish European, 0.00076%; no homozygotes.

Submissions (3):

Labcorp Genetics (formerly Invitae), Labcorp
Classification: Uncertain significance for RYR1-related disorder. Last evaluated: 2024-04-03. Review status: criteria provided, single submitter. Criteria: Invitae Variant Classification Sherloc (09022015). Collection method: clinical testing. Allele origin: germline.
Comment: This sequence change replaces glycine, which is neutral and non-polar, with glutamic acid, which is acidic and polar, at codon 3738 of the RYR1 protein (p.Gly3738Glu). This variant is present in population databases (no rsID available, gnomAD 0.0009%). This variant has not been reported in the literature in individuals affected with RYR1-related conditions. ClinVar contains an entry for this variant (Variation ID: 590379). Advanced modeling of protein sequence and biophysical properties (such as structural, functional, and spatial information, amino acid conservation, physicochemical variation, residue mobility, and thermodynamic stability) performed at Invitae indicates that this missense variant is not expected to disrupt RYR1 protein function with a negative predictive value of 95%. In summary, the available evidence is currently insufficient to determine the role of this variant in disease. Therefore, it has been classified as a Variant of Uncertain Significance.

All of Us Research Program, National Institutes of Health
Classification: Uncertain significance for Malignant hyperthermia, susceptibility to, 1. Last evaluated: 2024-01-11. Review status: criteria provided, single submitter. Criteria: ACMG Guidelines, 2015. Collection method: clinical testing. Allele origin: germline. Inheritance: Autosomal dominant inheritance. Observed: 2 variant alleles, 2 heterozygotes.
Comment: This study involves interpretation of variants in research participants for the purpose of population health screening. Participant phenotype was not available at the time of variant classification. Additional details can be found in publication PMID: 35346344, PMCID: PMC8962531

PreventionGenetics, part of Exact Sciences
Classification: Uncertain significance. Last evaluated: 2016-11-20. Review status: criteria provided, single submitter. Criteria: ACMG Guidelines, 2015. Collection method: clinical testing. Allele origin: germline.